The following is an entry in ClinVar:

ClinVar aggregate classification (germline): Uncertain significance. Review status: criteria provided, multiple submitters, no conflicts (2 of 4 stars). 2 submissions from 2 submitters: Uncertain significance (2). Last evaluated 2025-06-10.

Conditions:
Hereditary cancer-predisposing syndrome. Also called: Hereditary neoplastic syndrome; Neoplastic Syndromes, Hereditary; Hereditary Cancer Syndrome; Tumor predisposition. Identifiers: Orphanet 140162, MedGen C0027672, MeSH D009386, MONDO:0015356.
Gorlin syndrome. Also called: Nevoid Basal Cell Carcinoma Syndrome; Basal cell nevus syndrome. Identifiers: Orphanet 377, MedGen C0004779, MONDO:0007187.

Allele frequency attached by ClinVar (database versions not stated): gnomAD exomes below 0.00001; TOPMed 0.00001.
gnomAD v4.1: 1 of 1,613,942 alleles (0.000062%); highest among the groups gnomAD compares: African/African-American, 0.0013%; no homozygotes.

Submissions (2):

Ambry Genetics
Classification: Uncertain significance for Hereditary cancer-predisposing syndrome. Last evaluated: 2025-06-10. Review status: criteria provided, single submitter. Criteria: Ambry Variant Classification Scheme 2023. Collection method: clinical testing. Allele origin: germline.
Comment: The p.D635V variant (also known as c.1904A>T), located in coding exon 14 of the PTCH1 gene, results from an A to T substitution at nucleotide position 1904. The aspartic acid at codon 635 is replaced by valine, an amino acid with highly dissimilar properties. This amino acid position is not well conserved in available vertebrate species. In addition, the in silico prediction for this alteration is inconclusive. Based on the available evidence, the clinical significance of this variant remains unclear.

Labcorp Genetics (formerly Invitae), Labcorp
Classification: Uncertain significance for Gorlin syndrome. Last evaluated: 2024-06-26. Review status: criteria provided, single submitter. Criteria: Invitae Variant Classification Sherloc (09022015). Collection method: clinical testing. Allele origin: germline.
Comment: This sequence change replaces aspartic acid, which is acidic and polar, with valine, which is neutral and non-polar, at codon 635 of the PTCH1 protein (p.Asp635Val). This variant is not present in population databases (gnomAD no frequency). This variant has not been reported in the literature in individuals affected with PTCH1-related conditions. ClinVar contains an entry for this variant (Variation ID: 573792). Advanced modeling of protein sequence and biophysical properties (such as structural, functional, and spatial information, amino acid conservation, physicochemical variation, residue mobility, and thermodynamic stability) performed at Invitae indicates that this missense variant is not expected to disrupt PTCH1 protein function with a negative predictive value of 95%. In summary, the available evidence is currently insufficient to determine the role of this variant in disease. Therefore, it has been classified as a Variant of Uncertain Significance.

NM_000264.5(PTCH1):c.1904A>T (p.Asp635Val)

Genes: PTCH1 (patched 1; minus strand), LOC100507346 (uncharacterized LOC100507346; plus strand). Cytogenetic location: 9q22.32.
Variant type: single nucleotide variant.
Coding change: c.1904A>T on transcript NM_000264.5 (MANE Select); coding-DNA position 1904, A replaced by T.
Protein change: p.Asp635Val; replaces aspartic acid 635 with valine.
Molecular consequence: missense variant. On other transcripts: non-coding transcript variant (2).
Genome position (GRCh38, 1-based): chr9:95,469,097, T>A on the plus strand (A>T on the coding strand, the complement: PTCH1 is on the minus strand). VCF-style: chr9-95469097-T-A. GRCh37 (hg19) VCF-style: chr9-98231379-T-A.
Other names: c.1706A>T, p.Asp569Val (NM_001083602.3); c.1901A>T, p.Asp634Val (NM_001083603.3); c.1451A>T, p.Asp484Val (NM_001083604.3, NM_001083605.3, NM_001083606.3 and 1 more transcripts); c.1748A>T, p.Asp583Val (NM_001354918.2); short protein forms D635V, D569V, D484V, D583V, D634V.
Identifiers: ClinVar variation 573792 (VCV000573792.17), dbSNP rs200321717, ClinGen allele CA196586914.